The following is an entry in ClinVar:

ClinVar aggregate classification (germline): Uncertain significance (1 of 4 stars; one submission).

Allele frequency attached by ClinVar (database versions not stated): gnomAD exomes 0.00001 and 0.00002; TOPMed 0.00001.
gnomAD v4.1: 28 of 1,613,958 alleles (0.0017%); highest among the groups gnomAD compares: Non-Finnish European, 0.0023%; no homozygotes.

Submission:

Labcorp Genetics (formerly Invitae), Labcorp
Classification: Uncertain significance. Last evaluated: 2024-02-19. Review status: criteria provided, single submitter. Criteria: Invitae Variant Classification Sherloc (09022015). Collection method: clinical testing. Allele origin: germline.
Comment: This sequence change replaces arginine, which is basic and polar, with glutamine, which is neutral and polar, at codon 2789 of the CDH23 protein (p.Arg2789Gln). This variant is present in population databases (no rsID available, gnomAD 0.003%). This variant has not been reported in the literature in individuals affected with CDH23-related conditions. ClinVar contains an entry for this variant (Variation ID: 1392937). Advanced modeling of protein sequence and biophysical properties (such as structural, functional, and spatial information, amino acid conservation, physicochemical variation, residue mobility, and thermodynamic stability) performed at Invitae indicates that this missense variant is not expected to disrupt CDH23 protein function with a negative predictive value of 95%. In summary, the available evidence is currently insufficient to determine the role of this variant in disease. Therefore, it has been classified as a Variant of Uncertain Significance.

NM_022124.6(CDH23):c.8366G>A (p.Arg2789Gln)

Gene: CDH23 (cadherin related 23; plus strand). Cytogenetic location: 10q22.1.
Variant type: single nucleotide variant.
Coding change: c.8366G>A on transcript NM_022124.6 (MANE Select); coding-DNA position 8366, G replaced by A.
Protein change: p.Arg2789Gln; replaces arginine 2789 with glutamine.
Molecular consequence: missense variant.
Genome position (GRCh38, 1-based): chr10:71,807,573, G>A. VCF-style: chr10-71807573-G-A. GRCh37 (hg19) VCF-style: chr10-73567330-G-A.
Other names: c.1646G>A, p.Arg549Gln (NM_001171933.1, NM_001171934.1); short protein forms R2789Q, R549Q.
Identifiers: ClinVar variation 1392937 (VCV001392937.7), dbSNP rs1473455187, ClinGen allele CA377131404.
Genomic context (GRCh38, chr10:71,807,573, plus strand): 5'-CAGCCGGCAACGAAGAGAAGAACTTCCATCTGCAGCCCGATGGGTGTCTGCTGGTGCTGC[G>A]GGACCTGGACCGGGAGCGAGAAGCCATCTTCTCCTTCATCGTCAAGGCCTCCAGCAATCG-3'
Protein context (NP_071407.4, residues 2779-2799): LQPDGCLLVL[Arg2789Gln]DLDREREAIF